The following is an entry in ClinVar:

NM_015915.5(ATL1):c.916A>G (p.Ser306Gly)

Gene: ATL1 (atlastin GTPase 1; plus strand). Cytogenetic location: 14q22.1.
Variant type: single nucleotide variant.
Coding change: c.916A>G on transcript NM_015915.5 (MANE Select); coding-DNA position 916, A replaced by G.
Protein change: p.Ser306Gly; replaces serine 306 with glycine.
Molecular consequence: missense variant.
Genome position (GRCh38, 1-based): chr14:50,620,652, A>G. VCF-style: chr14-50620652-A-G. GRCh37 (hg19) VCF-style: chr14-51087370-A-G.
Other names: c.916A>G, p.Ser306Gly (NM_001127713.1, NM_181598.4); short protein forms S306G.
Identifiers: ClinVar variation 2137584 (VCV002137584.4), dbSNP rs2039458821, ClinGen allele CA389673227.

ClinVar aggregate classification (germline): Uncertain significance (1 of 4 stars; one submission).

Conditions:
Hereditary spastic paraplegia 3A (SPG3A). Also called: SPASTIC PARAPLEGIA 3, AUTOSOMAL DOMINANT; FAMILIAL SPASTIC PARAPLEGIA, AUTOSOMAL DOMINANT, 1; SPG3; STRUMPELL DISEASE; Spastic Paraplegia 3A; Spastic paraplegia 3A, autosomal dominant. Identifiers: Orphanet 100984, MedGen C2931355, MONDO:0008437, OMIM 182600.

Allele frequency attached by ClinVar (database versions not stated): gnomAD exomes below 0.00001.
gnomAD v4.1: 4 of 1,613,642 alleles (0.00025%); highest among the groups gnomAD compares: Non-Finnish European, 0.00034%; no homozygotes.

Submission:

Labcorp Genetics (formerly Invitae), Labcorp
Classification: Uncertain significance for Hereditary spastic paraplegia 3A. Last evaluated: 2022-06-18. Review status: criteria provided, single submitter. Criteria: Invitae Variant Classification Sherloc (09022015). Collection method: clinical testing. Allele origin: germline.
Comment: This variant is not present in population databases (gnomAD no frequency). This missense change has been observed in individual(s) with ATL1-related conditions as well as asymptomatic individiual(s) (PMID: 28736820). Advanced modeling of protein sequence and biophysical properties (such as structural, functional, and spatial information, amino acid conservation, physicochemical variation, residue mobility, and thermodynamic stability) performed at Invitae indicates that this missense variant is not expected to disrupt ATL1 protein function. In summary, the available evidence is currently insufficient to determine the role of this variant in disease. Therefore, it has been classified as a Variant of Uncertain Significance. This sequence change replaces serine, which is neutral and polar, with glycine, which is neutral and non-polar, at codon 306 of the ATL1 protein (p.Ser306Gly).

Literature cited by the submitters: PubMed 28736820.